The following is an entry in ClinVar:

NM_016824.5(ADD3):c.718-3T>C

Gene: ADD3 (adducin 3; plus strand). Cytogenetic location: 10q25.2.
Variant type: single nucleotide variant.
Coding change: c.718-3T>C on transcript NM_016824.5 (MANE Select); 3 bases into the intron before coding-DNA position 718, T replaced by C.
Molecular consequence: intron variant.
Genome position (GRCh38, 1-based): chr10:110,119,208, T>C. VCF-style: chr10-110119208-T-C. GRCh37 (hg19) VCF-style: chr10-111878966-T-C.
Other names: c.718-3T>C (NM_001320591.2, NM_001320592.2, NM_019903.5 and 2 more transcripts); c.484-3T>C (NM_001320594.2).
Identifiers: ClinVar variation 2042872 (VCV002042872.1), dbSNP rs199951875, ClinGen allele CA5686449.
Genomic context (GRCh38, chr10:110,119,208, plus strand): 5'-GGTTCCTATGAAAATGTATTTAGTAACCAAATGTGTTATCTTGGTATGGGCCAAACCAAA[T>C]AGGTATCCTCCATGAAATGTGGGATCCTTCCAATTTCTCAAGAGTCTCTTCTTCTGGGAG-3'

ClinVar aggregate classification (germline): Uncertain significance (1 of 4 stars; one submission).

Allele frequency attached by ClinVar (database versions not stated): gnomAD exomes 0.00004; ExAC 0.00011; ESP Exome Variant Server 0.00023; TOPMed 0.00041; gnomAD 0.00044; 1000 Genomes Project 30x 0.00047; 1000 Genomes Project 0.00060.
gnomAD v4.1: 123 of 1,614,004 alleles (0.0076%); highest among the groups gnomAD compares: African/African-American, 0.15%; no homozygotes.

Submission:

Labcorp Genetics (formerly Invitae), Labcorp
Classification: Uncertain significance. Last evaluated: 2022-07-13. Review status: criteria provided, single submitter. Criteria: Invitae Variant Classification Sherloc (09022015). Collection method: clinical testing. Allele origin: germline.
Comment: This sequence change falls in intron 6 of the ADD3 gene. It does not directly change the encoded amino acid sequence of the ADD3 protein. It affects a nucleotide within the consensus splice site. This variant is present in population databases (rs199951875, gnomAD 0.1%), and has an allele count higher than expected for a pathogenic variant. This variant has not been reported in the literature in individuals affected with ADD3-related conditions. Variants that disrupt the consensus splice site are a relatively common cause of aberrant splicing (PMID: 17576681, 9536098). Algorithms developed to predict the effect of sequence changes on RNA splicing suggest that this variant is not likely to affect RNA splicing. In summary, the available evidence is currently insufficient to determine the role of this variant in disease. Therefore, it has been classified as a Variant of Uncertain Significance.

Literature cited by the submitters: PubMed 17576681; PubMed 9536098.